The following is an entry in ClinVar:

NM_003331.5(TYK2):c.1748G>A (p.Arg583Gln)

Gene: TYK2 (tyrosine kinase 2; minus strand). Cytogenetic location: 19p13.2.
Variant type: single nucleotide variant.
Coding change: c.1748G>A on transcript NM_003331.5 (MANE Select); coding-DNA position 1748, G replaced by A.
Protein change: p.Arg583Gln; replaces arginine 583 with glutamine.
Molecular consequence: missense variant.
Genome position (GRCh38, 1-based): chr19:10,362,103, C>T on the plus strand (G>A on the coding strand, the complement: TYK2 is on the minus strand). VCF-style: chr19-10362103-C-T. GRCh37 (hg19) VCF-style: chr19-10472779-C-T.
Other names: c.1748G>A, p.Arg583Gln (NM_001385197.1, NM_001385198.1, NM_001385199.1 and 5 more transcripts); c.1550G>A, p.Arg517Gln (NM_001385201.1); c.1658G>A, p.Arg553Gln (NM_001385205.1); c.1622G>A, p.Arg541Gln (NM_001385206.1); c.1748G>A (NM_003331.4); short protein forms R517Q, R541Q, R553Q, R583Q.
Identifiers: ClinVar variation 1488748 (VCV001488748.9), dbSNP rs771605702, ClinGen allele CA9193316.

ClinVar aggregate classification (germline): Uncertain significance. Review status: criteria provided, multiple submitters, no conflicts (2 of 4 stars). 2 submissions from 2 submitters: Uncertain significance (2). Last evaluated 2025-11-11.

Conditions:
Immunodeficiency 35 (IMD35). Also called: TYK2 DEFICIENCY; Susceptibility to infection due to TYK2 deficiency; HIES WITH ATYPICAL MYCOBACTERIOSIS, AUTOSOMAL RECESSIVE; HYPER-IgE SYNDROME WITH ATYPICAL MYCOBACTERIOSIS, AUTOSOMAL RECESSIVE. Identifiers: Orphanet 331226, MedGen C1969086, MONDO:0012682, OMIM 611521.
Inborn genetic diseases. Identifiers: MedGen C0950123, MeSH D030342.

Allele frequency attached by ClinVar (database versions not stated): TOPMed 0.00003.
gnomAD v4.1: 15 of 1,614,122 alleles (0.00093%); highest among the groups gnomAD compares: South Asian, 0.0033%; no homozygotes.

Submissions (2):

Ambry Genetics
Classification: Uncertain significance for Inborn genetic diseases. Last evaluated: 2025-11-11. Review status: criteria provided, single submitter. Criteria: Ambry Variant Classification Scheme 2023. Collection method: clinical testing. Allele origin: germline.

Labcorp Genetics (formerly Invitae), Labcorp
Classification: Uncertain significance for Immunodeficiency 35. Last evaluated: 2022-02-23. Review status: criteria provided, single submitter. Criteria: Invitae Variant Classification Sherloc (09022015). Collection method: clinical testing. Allele origin: germline.
Comment: In summary, the available evidence is currently insufficient to determine the role of this variant in disease. Therefore, it has been classified as a Variant of Uncertain Significance. Algorithms developed to predict the effect of sequence changes on RNA splicing suggest that this variant may create or strengthen a splice site. Algorithms developed to predict the effect of missense changes on protein structure and function output the following: SIFT: "Not Available"; PolyPhen-2: "Benign"; Align-GVGD: "Not Available". The glutamine amino acid residue is found in multiple mammalian species, which suggests that this missense change does not adversely affect protein function. This variant has not been reported in the literature in individuals affected with TYK2-related conditions. This variant is present in population databases (rs771605702, gnomAD 0.003%). This sequence change replaces arginine, which is basic and polar, with glutamine, which is neutral and polar, at codon 583 of the TYK2 protein (p.Arg583Gln).